The following is an entry in ClinVar:

ClinVar aggregate classification (germline): Likely benign (1 of 4 stars; one submission).

Conditions:
Cone-rod dystrophy. Also called: Cone-rod degeneration; Cone/cone-rod dystrophy. Identifiers: Orphanet 1872, MedGen C4085590, MONDO:0015993, HP:0000548.

Allele frequency attached by ClinVar (database versions not stated): gnomAD exomes 0.00001; ExAC 0.00002; gnomAD 0.00004; ESP Exome Variant Server 0.00008.
gnomAD v4.1: 23 of 1,613,852 alleles (0.0014%); highest among the groups gnomAD compares: African/African-American, 0.0067%; no homozygotes.

Submission:

Illumina Laboratory Services, Illumina
Classification: Likely benign for Cone-rod dystrophy. Last evaluated: 2018-01-13. Review status: criteria provided, single submitter. Criteria: ICSL Variant Classification Criteria 13 December 2019. Collection method: clinical testing. Allele origin: germline.
Comment: This variant was observed in the ICSL laboratory as part of a predisposition screen in an ostensibly healthy population. It had not been previously curated by ICSL or reported in the Human Gene Mutation Database (HGMD: prior to June 1st, 2018), and was therefore a candidate for classification through an automated scoring system. Utilizing variant allele frequency, disease prevalence and penetrance estimates, and inheritance mode, an automated score was calculated to assess if this variant is too frequent to cause the disease. Based on the score and internal cut-off values, a variant classified as likely benign is not then subjected to further curation. The score for this variant resulted in a classification of likely benign for this disease.

NM_005148.4(UNC119):c.*7G>A

Gene: UNC119 (unc-119 lipid binding chaperone; minus strand). Cytogenetic location: 17q11.2.
Variant type: single nucleotide variant.
Coding change: c.*7G>A on transcript NM_005148.4 (MANE Select); 7 bases downstream of the stop codon, G replaced by A.
Molecular consequence: 3 prime UTR variant.
Genome position (GRCh38, 1-based): chr17:28,547,290, C>T on the plus strand (G>A on the coding strand, the complement: UNC119 is on the minus strand). VCF-style: chr17-28547290-C-T. GRCh37 (hg19) VCF-style: chr17-26874308-C-T.
Other names: c.*7G>A (NM_001330166.2); c.*334G>A (NM_054035.2).
Identifiers: ClinVar variation 889630 (VCV000889630.4), dbSNP rs370209476, ClinGen allele CA8459683.